The following is an entry in ClinVar:

NM_001818.5(AKR1C4):c.631A>G (p.Ile211Val)

Gene: AKR1C4 (aldo-keto reductase family 1 member C4; plus strand). Cytogenetic location: 10p15.1.
Variant type: single nucleotide variant.
Coding change: c.631A>G on transcript NM_001818.5 (MANE Select); coding-DNA position 631, A replaced by G.
Protein change: p.Ile211Val; replaces isoleucine 211 with valine.
Molecular consequence: missense variant.
Genome position (GRCh38, 1-based): chr10:5,212,676, A>G. VCF-style: chr10-5212676-A-G. GRCh37 (hg19) VCF-style: chr10-5254639-A-G.
Other names: short protein forms I211V.
Identifiers: ClinVar variation 4989218 (VCV004989218.1).

ClinVar aggregate classification (germline): Uncertain significance (1 of 4 stars; one submission).

Conditions:
AKR1C4-related disorder. Also called: AKR1C4-related condition.

gnomAD v4.1: 4 of 1,613,998 alleles (0.00025%); highest among the groups gnomAD compares: African/African-American, 0.0053%; no homozygotes.

Submission:

PreventionGenetics, part of Exact Sciences
Classification: Uncertain significance for AKR1C4-related condition. Last evaluated: 2026-04-14. Review status: criteria provided, single submitter. Criteria: ACMG Guidelines, 2015. Collection method: clinical testing. Allele origin: germline.
Comment: The AKR1C4 c.631A>G variant is predicted to result in the amino acid substitution p.Ile211Val. To our knowledge, this variant has not been reported in the literature. This variant is reported in 0.012% of alleles in individuals of African descent in gnomAD. At this time, the clinical significance of this variant is uncertain due to the absence of conclusive functional and genetic evidence.